The following is an entry in ClinVar:

NM_007124.3(UTRN):c.7096C>G (p.Arg2366Gly)

Gene: UTRN (utrophin; plus strand). Cytogenetic location: 6q24.2.
Variant type: single nucleotide variant.
Coding change: c.7096C>G on transcript NM_007124.3 (MANE Select); coding-DNA position 7096, C replaced by G.
Protein change: p.Arg2366Gly; replaces arginine 2366 with glycine.
Molecular consequence: missense variant.
Genome position (GRCh38, 1-based): chr6:144,554,855, C>G. VCF-style: chr6-144554855-C-G. GRCh37 (hg19) VCF-style: chr6-144875991-C-G.
Other names: short protein forms R2366G.
Identifiers: ClinVar variation 5031662 (VCV005031662.1).

ClinVar aggregate classification (germline): Uncertain significance (1 of 4 stars; one submission).

gnomAD v4.1: 1 of 1,613,840 alleles (0.000062%); highest among the groups gnomAD compares: Admixed American, 0.0017%; no homozygotes.

Submission:

Ambry Genetics
Classification: Uncertain significance. Last evaluated: 2026-07-19. Review status: criteria provided, single submitter. Criteria: Ambry Variant Classification Scheme 2023. Collection method: clinical testing. Allele origin: germline.
Comment: The c.7096C>G (p.R2366G) alteration is located in exon 48 (coding exon 48) of the UTRN gene. This alteration results from a C to G substitution at nucleotide position 7096, causing the arginine (R) at amino acid position 2366 to be replaced by a glycine (G). Based on data from gnomAD, the G allele has an overall frequency of <0.001% (1/251188) total alleles studied. The highest observed frequency was 0.003% (1/34586) of Latino alleles. Based on insufficient or conflicting evidence, the clinical significance of this alteration remains unclear.